The following is an entry in ClinVar:

NM_000083.3(CLCN1):c.1568G>A (p.Gly523Asp)

Gene: CLCN1 (chloride voltage-gated channel 1; plus strand). Cytogenetic location: 7q34.
Variant type: single nucleotide variant.
Coding change: c.1568G>A on transcript NM_000083.3 (MANE Select); coding-DNA position 1568, G replaced by A.
Protein change: p.Gly523Asp; replaces glycine 523 with aspartic acid.
Molecular consequence: missense variant. On other transcripts: non-coding transcript variant (1).
Genome position (GRCh38, 1-based): chr7:143,339,607, G>A. VCF-style: chr7-143339607-G-A. GRCh37 (hg19) VCF-style: chr7-143036700-G-A.
Other names: c.1568G>A (NM_000083.2); short protein forms G523D.
Identifiers: ClinVar variation 871782 (VCV000871782.51), dbSNP rs1460714146, ClinGen allele CA369645930.
Genomic context (GRCh38, chr7:143,339,607, plus strand): 5'-CCATGCTCTTTCCTGATGGTATTTTGTTTGATGACATCATCTACAAGATCCTACCTGGGG[G>A]CTATGCAGTAATTGGTGAGAAACATTCCCACTTCCCTGTAATCAAACATTGAGTACTTCA-3'
Protein context (NP_000074.3, residues 513-533): DDIIYKILPG[Gly523Asp]YAVIGAAALT

ClinVar aggregate classification (germline): Pathogenic/Likely pathogenic. Review status: criteria provided, multiple submitters, no conflicts (2 of 4 stars). 5 submissions from 5 submitters: Pathogenic (3); Likely pathogenic (1). 1 of the submissions does not count toward it. Last evaluated 2025-04-02.

Conditions:
CLCN1-related disorder. Also called: CLCN1-related condition.
Congenital myotonia, autosomal dominant form (THD). Also called: THOMSEN DISEASE; Myotonia congenita autosomal dominant. Identifiers: Orphanet 614, MedGen C2936781, MONDO:0008055, OMIM 160800.
Congenital myotonia, autosomal recessive form. Also called: BECKER DISEASE; Becker Generalized Myotonia; myotonia congenita, autosomal recessive. Identifiers: Orphanet 614, MedGen C0751360, MONDO:0009715, OMIM 255700.

Submissions (5):

Labcorp Genetics (formerly Invitae), Labcorp
Classification: Pathogenic for Congenital myotonia, autosomal recessive form; Congenital myotonia, autosomal dominant form. Last evaluated: 2025-04-02. Review status: criteria provided, single submitter. Criteria: Invitae Variant Classification Sherloc (09022015). Collection method: clinical testing. Allele origin: germline.
Comment: This sequence change replaces glycine, which is neutral and non-polar, with aspartic acid, which is acidic and polar, at codon 523 of the CLCN1 protein (p.Gly523Asp). This variant is not present in population databases (gnomAD no frequency). This missense change has been observed in individuals with autosomal dominant myotonia congenita (PMID: 19949657, 26260254). It has also been observed to segregate with disease in related individuals. ClinVar contains an entry for this variant (Variation ID: 871782). Invitae Evidence Modeling of protein sequence and biophysical properties (such as structural, functional, and spatial information, amino acid conservation, physicochemical variation, residue mobility, and thermodynamic stability) indicates that this missense variant is expected to disrupt CLCN1 protein function with a positive predictive value of 95%. Experimental studies have shown that this missense change affects CLCN1 function (PMID: 24625573). For these reasons, this variant has been classified as Pathogenic.

GeneDx
Classification: Likely pathogenic. Last evaluated: 2022-04-05. Review status: criteria provided, single submitter. Criteria: GeneDx Variant Classification Process June 2021. Collection method: clinical testing. Allele origin: germline. Affected: yes.
Comment: Published functional studies demonstrate a damaging effect as the variant resulted in sustained chloride currents, thus reducing chloride conductance overall and possibly acting via a dominant negative mechanism (Ha et al., 2014; Liu et al., 2015; Seong et al., 2017); Not observed at significant frequency in large population cohorts (gnomAD); In silico analysis supports that this missense variant has a deleterious effect on protein structure/function; This variant is associated with the following publications: (PMID: 24625573, 19949657, 34790634, 28386229, 27921211, 26260254)

Blueprint Genetics
Classification: Pathogenic for CLCN1-related disorders. Last evaluated: 2021-09-28. Review status: criteria provided, single submitter. Criteria: ACMG Guidelines, 2015. Collection method: clinical testing. Allele origin: germline. Affected: yes. Observed: 1 variant allele.

CeGaT Center for Human Genetics Tuebingen
Classification: Pathogenic. Last evaluated: 2018-01-01. Review status: criteria provided, single submitter. Criteria: CeGaT Center For Human Genetics Tuebingen Variant Classification Criteria Version 2. Collection method: clinical testing. Allele origin: germline. Affected: yes. Observed: 1 variant allele.

Department of Neurology and Geriatrics, Kagoshima University Graduate School of Medical and Dental Sciences
Classification: Pathogenic for Congenital myotonia, autosomal dominant form. Last evaluated: 2022-04-06. Review status: no assertion criteria provided. Collection method: research. Allele origin: germline. Affected: yes. Not counted in ClinVar's aggregate classification.

Literature cited by the submitters: PubMed 19949657 (cited by Labcorp Genetics (formerly Invitae), Labcorp); PubMed 26260254 (cited by Labcorp Genetics (formerly Invitae), Labcorp); PubMed 24625573 (cited by Labcorp Genetics (formerly Invitae), Labcorp).